The following is an entry in ClinVar:

ClinVar aggregate classification (germline): Uncertain significance. Review status: criteria provided, multiple submitters, no conflicts (2 of 4 stars). 4 submissions from 4 submitters: Uncertain significance (4). Last evaluated 2023-04-11.

Conditions:
Developmental and epileptic encephalopathy, 23 (DEE23). Also called: Epileptic encephalopathy, early infantile, 23. Identifiers: Orphanet 411986, MedGen C4014492, MONDO:0014371, OMIM 615859.
Inborn genetic diseases. Identifiers: MedGen C0950123, MeSH D030342.

Allele frequency attached by ClinVar (database versions not stated): gnomAD exomes 0.00001 and 0.00006; gnomAD 0.00004 and 0.00005; TOPMed 0.00005; ExAC 0.00008; 1000 Genomes Project 0.00020; 1000 Genomes Project 30x 0.00031.
gnomAD v4.1: 27 of 1,613,484 alleles (0.0017%); highest among the groups gnomAD compares: East Asian, 0.042%; no homozygotes.

Submissions (4):

Genome-Nilou Lab
Classification: Uncertain significance for Developmental and epileptic encephalopathy, 23. Last evaluated: 2023-04-11. Review status: criteria provided, single submitter. Criteria: ACMG Guidelines, 2015. Collection method: clinical testing. Allele origin: germline. Affected: no.

Ambry Genetics
Classification: Uncertain significance for Inborn genetic diseases. Last evaluated: 2023-03-29. Review status: criteria provided, single submitter. Criteria: Ambry Variant Classification Scheme 2023. Collection method: clinical testing. Allele origin: germline.

Labcorp Genetics (formerly Invitae), Labcorp
Classification: Uncertain significance for Developmental and epileptic encephalopathy, 23. Last evaluated: 2022-06-10. Review status: criteria provided, single submitter. Criteria: Invitae Variant Classification Sherloc (09022015). Collection method: clinical testing. Allele origin: germline.
Comment: This sequence change replaces arginine, which is basic and polar, with histidine, which is basic and polar, at codon 2125 of the DOCK7 protein (p.Arg2125His). This variant is present in population databases (rs201452223, gnomAD 0.08%). This variant has not been reported in the literature in individuals affected with DOCK7-related conditions. ClinVar contains an entry for this variant (Variation ID: 1302433). Algorithms developed to predict the effect of missense changes on protein structure and function are either unavailable or do not agree on the potential impact of this missense change (SIFT: "Deleterious"; PolyPhen-2: "Probably Damaging"; Align-GVGD: "Class C0"). In summary, the available evidence is currently insufficient to determine the role of this variant in disease. Therefore, it has been classified as a Variant of Uncertain Significance.

GeneDx
Classification: Uncertain significance. Last evaluated: 2021-10-04. Review status: criteria provided, single submitter. Criteria: GeneDx Variant Classification Process June 2021. Collection method: clinical testing. Allele origin: germline. Affected: yes.
Comment: In silico analysis supports that this missense variant has a deleterious effect on protein structure/function; Has not been previously published as pathogenic or benign to our knowledge

NM_001367561.1(DOCK7):c.6407G>A (p.Arg2136His)

Gene: DOCK7 (dedicator of cytokinesis 7; minus strand). Cytogenetic location: 1p31.3.
Variant type: single nucleotide variant.
Coding change: c.6407G>A on transcript NM_001367561.1 (MANE Select); coding-DNA position 6407, G replaced by A.
Protein change: p.Arg2136His; replaces arginine 2136 with histidine.
Molecular consequence: missense variant.
Genome position (GRCh38, 1-based): chr1:62,455,430, C>T on the plus strand (G>A on the coding strand, the complement: DOCK7 is on the minus strand). VCF-style: chr1-62455430-C-T. GRCh37 (hg19) VCF-style: chr1-62921101-C-T.
Other names: c.6374G>A, p.Arg2125His (NM_001271999.2); c.6287G>A, p.Arg2096His (NM_001272000.2); c.6281G>A, p.Arg2094His (NM_001272001.2); c.6380G>A, p.Arg2127His (NM_001330614.2); c.6314G>A, p.Arg2105His (NM_033407.4); c.6314G>A (NM_033407.2); short protein forms R2094H, R2096H, R2105H, R2125H, R2127H, R2136H.
Identifiers: ClinVar variation 1302433 (VCV001302433.6), dbSNP rs201452223, ClinGen allele CA885202.